The following is an entry in ClinVar:

NM_004548.3(NDUFB10):c.226A>G (p.Ile76Val)

Gene: NDUFB10 (NADH:ubiquinone oxidoreductase subunit B10; plus strand). Cytogenetic location: 16p13.3.
Variant type: single nucleotide variant.
Coding change: c.226A>G on transcript NM_004548.3 (MANE Select); coding-DNA position 226, A replaced by G.
Protein change: p.Ile76Val; replaces isoleucine 76 with valine.
Molecular consequence: missense variant.
Genome position (GRCh38, 1-based): chr16:1,961,248, A>G. VCF-style: chr16-1961248-A-G. GRCh37 (hg19) VCF-style: chr16-2011249-A-G.
Other names: short protein forms I76V.
Identifiers: ClinVar variation 2414713 (VCV002414713.6), dbSNP rs879193608, ClinGen allele CA276749991.
Genomic context (GRCh38, chr16:1,961,248, plus strand): 5'-TACTACTACCACCGGCAGTACCGCCGCGTGCCAGACATCACTGAGTGCAAGGAGGAGGAC[A>G]TCATGTGCATGTATGAAGCCGAAATGCAGTGGAAGAGGGACTAGTACGTGAGCCATGCTG-3'
Protein context (NP_004539.1, residues 66-86): PDITECKEED[Ile76Val]MCMYEAEMQW

ClinVar aggregate classification (germline): Uncertain significance (1 of 4 stars; one submission).

Allele frequency attached by ClinVar (database versions not stated): gnomAD exomes 0.00001.
gnomAD v4.1: 6 of 1,614,104 alleles (0.00037%); highest among the groups gnomAD compares: South Asian, 0.0044%; 1 homozygote.

Submission:

Labcorp Genetics (formerly Invitae), Labcorp
Classification: Uncertain significance. Last evaluated: 2024-11-05. Review status: criteria provided, single submitter. Criteria: Invitae Variant Classification Sherloc (09022015). Collection method: clinical testing. Allele origin: germline.
Comment: This sequence change replaces isoleucine, which is neutral and non-polar, with valine, which is neutral and non-polar, at codon 76 of the NDUFB10 protein (p.Ile76Val). This variant is present in population databases (no rsID available, gnomAD 0.003%). This variant has not been reported in the literature in individuals affected with NDUFB10-related conditions. ClinVar contains an entry for this variant (Variation ID: 2414713). An algorithm developed to predict the effect of missense changes on protein structure and function outputs the following: PolyPhen-2: "Benign". The valine amino acid residue is found in multiple mammalian species, which suggests that this missense change does not adversely affect protein function. In summary, the available evidence is currently insufficient to determine the role of this variant in disease. Therefore, it has been classified as a Variant of Uncertain Significance.